The following is an entry in ClinVar:

ClinVar aggregate classification (germline): Uncertain significance (1 of 4 stars; one submission).

Conditions:
Familial intrahepatic cholestasis. Identifiers: Orphanet 284385, MedGen CN296401, MONDO:0017290.

Submission:

Genomenon, Inc
Classification: Uncertain significance for Familial intrahepatic cholestasis. Last evaluated: 2026-04-14. Review status: criteria provided, single submitter. Criteria: Genomenon Sequence Variant Interpretation Standards - Updated. Collection method: curation. Allele origin: germline. Affected: yes.
Comment: ATP8B1 p.Ala1210GlyfsTer26 (c.3628dup) is a frameshift variant that results in the production of a truncated protein. This variant has been observed in at least one proband with features of ATP8B1-deficiency (PMID:33437900). It is absent or not present at a significant frequency in gnomAD. In conclusion, we classify ATP8B1 p.Ala1210GlyfsTer26 (c.3628dup) as a variant of uncertain significance.

Literature cited by the submitters: PubMed 33437900.

NM_001374385.1(ATP8B1):c.3628dup (p.Ala1210fs)

Genes: ATP8B1 (ATPase phospholipid transporting 8B1; minus strand), ATP8B1-AS1 (ATP8B1 antisense RNA 1; plus strand). Cytogenetic location: 18q21.31.
Variant type: Duplication.
Coding change: c.3628dup on transcript NM_001374385.1 (MANE Select); coding-DNA position 3628, one base duplicated (G; older notation c.3628dupG).
Protein change: p.Ala1210fs; shifts the reading frame from alanine 1210.
Molecular consequence: frameshift variant.
Genome position (GRCh38, 1-based): chr18:57,648,616, C duplicated on the plus strand (G on the coding strand, the reverse complement: ATP8B1 is on the minus strand). VCF-style (leftmost placement, unchanged base first): chr18-57648615-G-GC. GRCh37 (hg19) VCF-style: chr18-55315847-G-GC.
Other names: c.3478dup, p.Ala1160fs (NM_001374386.1); c.3628dup, p.Ala1210fs (NM_005603.6); short protein forms A1160fs, A1210fs.
Identifiers: ClinVar variation 4846572 (VCV004846572.1).